The following is an entry in ClinVar:

ClinVar aggregate classification (germline): Uncertain significance (1 of 4 stars; one submission).

Submission:

GeneDx
Classification: Uncertain significance. Last evaluated: 2022-10-14. Review status: criteria provided, single submitter. Criteria: GeneDx Variant Classification Process June 2021. Collection method: clinical testing. Allele origin: germline. Affected: yes.
Comment: In-frame deletion of 5 amino acids and insertion of 1 amino acid in a non-repeat region within the critical DNA binding domain (Yang et al., 2002); Observed in a patient with breast cancer (Bisgin et al., 2019); Not observed at significant frequency in large population cohorts (gnomAD); A missense change at this residue (Asn3124Ile) has been reported as pathogenic at GeneDx; Also known as 9598_9611delinsCT; This variant is associated with the following publications: (PMID: 12228710, 31228304)

NM_000059.4(BRCA2):c.9370_9383delinsCT (p.Asn3124_Arg3128delinsLeu)

Gene: BRCA2 (BRCA2 DNA repair associated; plus strand). Cytogenetic location: 13q13.1.
Variant type: Indel.
Coding change: c.9370_9383delinsCT on transcript NM_000059.4 (MANE Select); coding-DNA positions 9370 to 9383, AACCTCCAGTGGCG replaced by CT.
Protein change: p.Asn3124_Arg3128delinsLeu.
Molecular consequence: inframe indel. On other transcripts: non-coding transcript variant (1).
Genome position (GRCh38, 1-based): chr13:32,394,802-32,394,815, AACCTCCAGTGGCG replaced by CT. VCF-style: chr13-32394802-AACCTCCAGTGGCG-CT. GRCh37 (hg19) VCF-style: chr13-32968939-AACCTCCAGTGGCG-CT.
Other names: c.9370_9383delAACCTCCAGTGGCGinsCT, p.Asn3124_Arg3128delinsLeu (NM_000059.3); c.9274_9287delinsCT, p.Asn3092_Arg3096delinsLeu (NM_001406719.1); c.9319_9332delinsCT, p.Asn3107_Arg3111delinsLeu (NM_001406720.1); c.4438_4451delinsCT, p.Asn1480_Arg1484delinsLeu (NM_001406721.1); c.2953_2966delinsCT, p.Asn985_Arg989delinsLeu (NM_001406722.1).
Identifiers: ClinVar variation 2499370 (VCV002499370.1), dbSNP rs2548562255, ClinGen allele CA2580087357.
Genomic context (GRCh38, chr13:32,394,802, plus strand): 5'-AAGTTTTGGATAGACCTTAATGAGGACATTATTAAGCCTCATATGTTAATTGCTGCAAGC[AACCTCCAGTGGCG>CT]ACCAGAATCCAAATCAGGCCTTCTTACTTTATTTGCTGGAGATTTTTCTGTGTTTTCTGC-3'